The following is an entry in ClinVar:

NM_198428.3(BBS9):c.263C>A (p.Ser88Ter)

Gene: BBS9 (Bardet-Biedl syndrome 9; plus strand). Cytogenetic location: 7p14.3.
Variant type: single nucleotide variant.
Coding change: c.263C>A on transcript NM_198428.3 (MANE Select); coding-DNA position 263, C replaced by A.
Protein change: p.Ser88Ter; replaces serine 88 with a stop codon.
Molecular consequence: nonsense. On other transcripts: 5 prime UTR variant (4), non-coding transcript variant (3), intron variant (2).
Genome position (GRCh38, 1-based): chr7:33,152,851, C>A. VCF-style: chr7-33152851-C-A. GRCh37 (hg19) VCF-style: chr7-33192463-C-A.
Other names: c.263C>A, p.Ser88Ter (NM_001033604.2, NM_001033605.2, NM_001348036.1 and 5 more transcripts); c.-39C>A (NM_001348037.3, NM_001348045.3); c.-15C>A (NM_001348038.3, NM_001348039.3); c.128C>A, p.Ser43Ter (NM_001348042.3); c.-39+22810C>A (NM_001348046.3, NM_001348044.3); short protein forms S88*, S43*.
Identifiers: ClinVar variation 191219 (VCV000191219.10), dbSNP rs749974697, ClinGen allele CA236280.

ClinVar aggregate classification (germline): Pathogenic. Review status: criteria provided, single submitter (1 of 4 stars). 3 submissions from 2 submitters: Pathogenic (1). 2 of the submissions do not count toward it. Last evaluated 2020-10-27.

Conditions:
Bardet-Biedl syndrome (BBS). Identifiers: Orphanet 110, MedGen C0752166, MONDO:0015229.

gnomAD v4.1: 1 of 1,613,810 alleles (0.000062%); highest among the groups gnomAD compares: South Asian, 0.0011%; no homozygotes.

Submissions (3):

Labcorp Genetics (formerly Invitae), Labcorp
Classification: Pathogenic for Bardet-Biedl syndrome. Last evaluated: 2020-10-27. Review status: criteria provided, single submitter. Criteria: Invitae Variant Classification Sherloc (09022015). Collection method: clinical testing. Allele origin: germline.
Comment: For these reasons, this variant has been classified as Pathogenic. Algorithms developed to predict the effect of sequence changes on RNA splicing suggest that this variant may disrupt the consensus splice site, but this prediction has not been confirmed by published transcriptional studies. This variant has been observed in individual(s) with Bardet-Biedl syndrome (PMID: 26355662). ClinVar contains an entry for this variant (Variation ID: 191219). This variant is not present in population databases (ExAC no frequency). This sequence change creates a premature translational stop signal (p.Ser88*) in the BBS9 gene. It is expected to result in an absent or disrupted protein product. Loss-of-function variants in BBS9 are known to be pathogenic (PMID: 16380913, 20177705).

Genomic Medicine Center of Excellence, King Faisal Specialist Hospital and Research Centre
Classification: Pathogenic for Bardet-Biedl syndrome. Review status: no assertion criteria provided. Collection method: research. Allele origin: germline. Affected: yes. Observed: 2 homozygotes. Clinical features observed: RP, polydactyly. Not counted in ClinVar's aggregate classification.

Genomic Medicine Center of Excellence, King Faisal Specialist Hospital and Research Centre
Classification: Likely pathogenic. Review status: flagged submission. Criteria: ACMG Guidelines, 2015. Collection method: research. Allele origin: germline. Affected: yes. Not counted in ClinVar's aggregate classification.
ClinVar note: Reason: This record appears to be redundant with a more recent record from the same submitter.
ClinVar note: Notes: SCV000221603 appears to be redundant with SCV000322778.

Literature cited by the submitters: PubMed 26355662 (cited by Labcorp Genetics (formerly Invitae), Labcorp); PubMed 16380913 (cited by Labcorp Genetics (formerly Invitae), Labcorp); PubMed 20177705 (cited by Labcorp Genetics (formerly Invitae), Labcorp).